The following is an entry in ClinVar:

ClinVar aggregate classification (germline): Uncertain significance (1 of 4 stars; one submission).

Conditions:
Cardiovascular phenotype. Identifiers: MedGen CN230736.

gnomAD v4.1: 1 of 1,549,916 alleles (0.000065%); highest among the groups gnomAD compares: Non-Finnish European, 0.000087%; no homozygotes.

Submission:

Ambry Genetics
Classification: Uncertain significance for Cardiovascular phenotype. Last evaluated: 2022-01-19. Review status: criteria provided, single submitter. Criteria: Ambry Variant Classification Scheme 2023. Collection method: clinical testing. Allele origin: germline.
Comment: The p.S619N variant (also known as c.1856G>A), located in coding exon 1 of the ZNF469 gene, results from a G to A substitution at nucleotide position 1856. The serine at codon 619 is replaced by asparagine, an amino acid with highly similar properties. This amino acid position is conserved. In addition, this alteration is predicted to be tolerated by in silico analysis. Since supporting evidence is limited at this time, the clinical significance of this alteration remains unclear.

NM_001367624.2(ZNF469):c.1856G>A (p.Ser619Asn)

Gene: ZNF469 (zinc finger protein 469; plus strand). Cytogenetic location: 16q24.2.
Variant type: single nucleotide variant.
Coding change: c.1856G>A on transcript NM_001367624.2 (MANE Select); coding-DNA position 1856, G replaced by A.
Protein change: p.Ser619Asn; replaces serine 619 with asparagine.
Molecular consequence: missense variant.
Genome position (GRCh38, 1-based): chr16:88,429,326, G>A. VCF-style: chr16-88429326-G-A. GRCh37 (hg19) VCF-style: chr16-88495734-G-A.
Other names: NM_001127464.1:c.1856G>A; short protein forms S619N.
Identifiers: ClinVar variation 1781411 (VCV001781411.2), dbSNP rs1187845779, ClinGen allele CA397068906.
Genomic context (GRCh38, chr16:88,429,326, plus strand): 5'-ACACGGCCGGCAGCACCTGCTCTTCCCTGTCGCCGATGTCCAGCAGCCCAGCCAACCCCA[G>A]CTCAGAGGAAAGCCAGCTCCCCGGCCCCCTCGGGCCCTCGGCCTTCTTCCACCCACCCAC-3'
Protein context (NP_001354553.1, residues 609-629): SPMSSSPANP[Ser619Asn]SEESQLPGPL